The following is an entry in ClinVar:

NM_001267550.2(TTN):c.14476del (p.Thr4826fs)

Gene: TTN (titin; minus strand). Cytogenetic location: 2q31.2.
Variant type: Deletion.
Coding change: c.14476del on transcript NM_001267550.2 (MANE Select); coding-DNA position 14476, one base deleted (A; older notation c.14476delA).
Protein change: p.Thr4826fs; shifts the reading frame from threonine 4826.
Molecular consequence: frameshift variant. On other transcripts: intron variant (3).
Genome position (GRCh38, 1-based): chr2:178,735,970, T deleted on the plus strand (A on the coding strand, the reverse complement: TTN is on the minus strand); the first of 3 consecutive T bases (chr2:178,735,970-178,735,972); deleting any one gives the same sequence. VCF-style (leftmost placement, unchanged base first): chr2-178735969-GT-G. GRCh37 (hg19) VCF-style: chr2-179600696-GT-G.
Other names: c.13525del, p.Thr4509fs (NM_001256850.1); c.10744del, p.Thr3582fs (NM_133378.4); c.13282+2112del (NM_003319.4); c.13858+2112del (NM_133437.4); c.13657+2112del (NM_133432.3); short protein forms T3582fs, T4826fs, T4509fs.
Identifiers: ClinVar variation 1479835 (VCV001479835.6), dbSNP rs1220176907, ClinGen allele CA761300579.

ClinVar aggregate classification (germline): Likely pathogenic (1 of 4 stars; one submission).

Conditions:
Dilated cardiomyopathy 1G (CMD1G). Identifiers: Orphanet 154, MedGen C1858763, MONDO:0011400, OMIM 604145.
Autosomal recessive limb-girdle muscular dystrophy type 2J (LGMDR10). Also called: Limb-girdle muscular dystrophy, type 2J; MUSCULAR DYSTROPHY, LIMB-GIRDLE, AUTOSOMAL RECESSIVE 10. Identifiers: Orphanet 140922, MedGen C1837342, MONDO:0012127, OMIM 608807.

Submission:

Labcorp Genetics (formerly Invitae), Labcorp
Classification: Likely pathogenic for Dilated cardiomyopathy 1G; Autosomal recessive limb-girdle muscular dystrophy type 2J. Last evaluated: 2024-10-18. Review status: criteria provided, single submitter. Criteria: Invitae Variant Classification Sherloc (09022015). Collection method: clinical testing. Allele origin: germline.
Comment: This sequence change creates a premature translational stop signal (p.Thr4826Profs*27) in the TTN gene. While this is not anticipated to result in nonsense mediated decay, it is expected to create a truncated TTN protein. This variant is not present in population databases (gnomAD no frequency). This premature translational stop signal has been observed in individual(s) with clinical features of autosomal recessive limb-girdle muscular dystrophy (internal data). ClinVar contains an entry for this variant (Variation ID: 1479835). This variant is located in the I band of TTN (PMID: 25589632). Truncating variants in this region have been reported in individuals affected with autosomal recessive centronuclear myopathy (PMID: 23975875, internal data). Truncating variants in this region have also been identified in individuals affected with autosomal dominant dilated cardiomyopathy and/or cardio-related conditions (PMID: 27869827, 32964742, internal data). In summary, the currently available evidence indicates that the variant is pathogenic, but additional data are needed to prove that conclusively. Therefore, this variant has been classified as Likely Pathogenic.

Literature cited by the submitters: PubMed 25589632; PubMed 23975875; PubMed 27869827; PubMed 32964742.